The following is an entry in ClinVar:

NM_133372.3(FNIP1):c.1037A>G (p.Asn346Ser)

Gene: FNIP1 (folliculin interacting protein 1; minus strand). Cytogenetic location: 5q31.1.
Variant type: single nucleotide variant.
Coding change: c.1037A>G on transcript NM_133372.3 (MANE Select); coding-DNA position 1037, A replaced by G.
Protein change: p.Asn346Ser; replaces asparagine 346 with serine.
Molecular consequence: missense variant.
Genome position (GRCh38, 1-based): chr5:131,704,144, T>C on the plus strand (A>G on the coding strand, the complement: FNIP1 is on the minus strand). VCF-style: chr5-131704144-T-C. GRCh37 (hg19) VCF-style: chr5-131039837-T-C.
Other names: c.953A>G, p.Asn318Ser (NM_001008738.3); c.1037A>G, p.Asn346Ser (NM_001346113.2); c.902A>G, p.Asn301Ser (NM_001346114.2); short protein forms N301S, N318S, N346S.
Identifiers: ClinVar variation 2114216 (VCV002114216.4), dbSNP rs2532181798, ClinGen allele CA360799360.

ClinVar aggregate classification (germline): Uncertain significance (1 of 4 stars; one submission).

Submission:

Labcorp Genetics (formerly Invitae), Labcorp
Classification: Uncertain significance. Last evaluated: 2022-03-27. Review status: criteria provided, single submitter. Criteria: Invitae Variant Classification Sherloc (09022015). Collection method: clinical testing. Allele origin: germline.
Comment: In summary, the available evidence is currently insufficient to determine the role of this variant in disease. Therefore, it has been classified as a Variant of Uncertain Significance. Algorithms developed to predict the effect of missense changes on protein structure and function (SIFT, PolyPhen-2, Align-GVGD) all suggest that this variant is likely to be tolerated. This variant has not been reported in the literature in individuals affected with FNIP1-related conditions. This variant is not present in population databases (gnomAD no frequency). This sequence change replaces asparagine, which is neutral and polar, with serine, which is neutral and polar, at codon 346 of the FNIP1 protein (p.Asn346Ser).